The following is an entry in ClinVar:

ClinVar aggregate classification (germline): Uncertain significance (1 of 4 stars; one submission).

Allele frequency attached by ClinVar (database versions not stated): gnomAD exomes below 0.00001.

Submission:

GeneDx
Classification: Uncertain significance. Last evaluated: 2022-10-27. Review status: criteria provided, single submitter. Criteria: GeneDx Variant Classification Process June 2021. Collection method: clinical testing. Allele origin: germline. Affected: yes.
Comment: Not observed at significant frequency in large population cohorts (gnomAD); In silico analysis supports that this missense variant does not alter protein structure/function; Has not been previously published as pathogenic or benign to our knowledge

NM_020937.4(FANCM):c.3427G>C (p.Glu1143Gln)

Gene: FANCM (FA complementation group M; plus strand). Cytogenetic location: 14q21.2.
Variant type: single nucleotide variant.
Coding change: c.3427G>C on transcript NM_020937.4 (MANE Select); coding-DNA position 3427, G replaced by C.
Protein change: p.Glu1143Gln; replaces glutamic acid 1143 with glutamine.
Molecular consequence: missense variant.
Genome position (GRCh38, 1-based): chr14:45,176,181, G>C. VCF-style: chr14-45176181-G-C. GRCh37 (hg19) VCF-style: chr14-45645384-G-C.
Other names: c.3349G>C, p.Glu1117Gln (NM_001308133.2); short protein forms E1117Q, E1143Q.
Identifiers: ClinVar variation 2500657 (VCV002500657.1), dbSNP rs1244568476, ClinGen allele CA389601499.